The following is an entry in ClinVar:

NM_000257.4(MYH7):c.2677G>T (p.Ala893Ser)

Genes: MYH7 (myosin heavy chain 7; minus strand), LOC126861898 (BRD4-independent group 4 enhancer GRCh37_chr14:23893609-23894808; plus strand). Cytogenetic location: 14q11.2.
Variant type: single nucleotide variant.
Coding change: c.2677G>T on transcript NM_000257.4 (MANE Select); coding-DNA position 2677, G replaced by T.
Protein change: p.Ala893Ser; replaces alanine 893 with serine.
Molecular consequence: missense variant.
Genome position (GRCh38, 1-based): chr14:23,424,771, C>A on the plus strand (G>T on the coding strand, the complement: MYH7 is on the minus strand). VCF-style: chr14-23424771-C-A. GRCh37 (hg19) VCF-style: chr14-23893980-C-A.
Other names: short protein forms A893S.
Identifiers: ClinVar variation 920554 (VCV000920554.6), dbSNP rs750204313, ClinGen allele CA389047795.
Genomic context (GRCh38, chr14:23,424,771, plus strand): 5'-TTGTGGGAAGTGAAGGCAGAGCAGGGTGGAAGAGCCAACAGTAGCCCAGGAGCCTCACCG[C>A]CTGCACTTGGAGCTGCAGGTCATTCTTCTCCTGCAGCAGGGACACCATCTTCTCCTCCAG-3'
Protein context (NP_000248.2, residues 883-903): EKNDLQLQVQ[Ala893Ser]EQDNLADAEE

ClinVar aggregate classification (germline): Uncertain significance. Review status: criteria provided, multiple submitters, no conflicts (2 of 4 stars). 2 submissions from 2 submitters: Uncertain significance (2). Last evaluated 2023-06-08.

Conditions:
Cardiomyopathy (CMYO). Also called: Cardiomyopathies. Identifiers: Orphanet 167848, MedGen C0878544, MONDO:0004994, HP:0001638. Inheritance: Various modes of inheritance.

Submissions (2):

All of Us Research Program, National Institutes of Health
Classification: Uncertain significance for Cardiomyopathy. Last evaluated: 2023-06-08. Review status: criteria provided, single submitter. Criteria: ACMG Guidelines, 2015. Collection method: clinical testing. Allele origin: germline. Inheritance: Autosomal dominant inheritance. Observed: 1 variant allele, 1 heterozygote.
Comment: This missense variant replaces alanine with serine at codon 893 of the MYH7 protein. Computational prediction suggests that this variant may not impact protein structure and function (internally defined REVEL score threshold <= 0.5, PMID: 27666373). To our knowledge, functional studies have not been reported for this variant. This variant has not been reported in individuals affected with MYH7-related disorders in the literature. This variant has not been identified in the general population by the Genome Aggregation Database (gnomAD). The available evidence is insufficient to determine the role of this variant in disease conclusively. Therefore, this variant is classified as a Variant of Uncertain Significance.

This study involves interpretation of variants in research participants for the purpose of population health screening. Participant phenotype was not available at the time of variant classification. Additional details can be found in publication PMID: 35346344, PMCID: PMC8962531

Color Diagnostics, LLC DBA Color Health
Classification: Uncertain significance for Cardiomyopathy. Last evaluated: 2023-05-16. Review status: criteria provided, single submitter. Criteria: ACMG Guidelines, 2015. Collection method: clinical testing. Allele origin: germline.
Comment: This missense variant replaces alanine with serine at codon 893 of the MYH7 protein. Computational prediction suggests that this variant may not impact protein structure and function (internally defined REVEL score threshold <= 0.5, PMID: 27666373). To our knowledge, functional studies have not been reported for this variant. This variant has not been reported in individuals affected with MYH7-related disorders in the literature. This variant has not been identified in the general population by the Genome Aggregation Database (gnomAD). The available evidence is insufficient to determine the role of this variant in disease conclusively. Therefore, this variant is classified as a Variant of Uncertain Significance.